The following is an entry in ClinVar:

NM_004408.4(DNM1):c.1423-14A>G

Gene: DNM1 (dynamin 1; plus strand). Cytogenetic location: 9q34.11.
Variant type: single nucleotide variant.
Coding change: c.1423-14A>G on transcript NM_004408.4 (MANE Select); 14 bases into the intron before coding-DNA position 1423, A replaced by G.
Molecular consequence: intron variant.
Genome position (GRCh38, 1-based): chr9:128,239,431, A>G. VCF-style: chr9-128239431-A-G. GRCh37 (hg19) VCF-style: chr9-131001710-A-G.
Other names: c.1423-14A>G (NM_001005336.3, NM_001288738.2, NM_001288737.2 and 1 more transcripts).
Identifiers: ClinVar variation 386156 (VCV000386156.10), dbSNP rs765225886, ClinGen allele CA5258175.
Genomic context (GRCh38, chr9:128,239,431, plus strand): 5'-CTCCCAGCTTGCCCTGCATTTTAAAACTTTGTGGTGTCTTTTGCGCTTGCCCACCAACCT[A>G]TGTATCCTTGAAGGTCATGCTTCTCATCGATATCGAGCTGGCTTACATGAACACCAACCA-3'

ClinVar aggregate classification (germline): Likely benign. Review status: criteria provided, multiple submitters, no conflicts (2 of 4 stars). 3 submissions from 3 submitters: Likely benign (3). Last evaluated 2024-06-11.

Conditions:
Developmental and epileptic encephalopathy, 31A. Also called: Developmental and epileptic encephalopathy, 31; Epileptic encephalopathy, early infantile, 31. Identifiers: Orphanet 2382, MedGen C4225357, MONDO:0014598, OMIM 616346.

Allele frequency attached by ClinVar (database versions not stated): ExAC 0.00002; gnomAD 0.00002; TOPMed 0.00006.
gnomAD v4.1: 18 of 1,612,246 alleles (0.0011%); highest among the groups gnomAD compares: African/African-American, 0.0067%; no homozygotes.

Submissions (3):

Women's Health and Genetics/Laboratory Corporation of America, LabCorp
Classification: Likely benign. Last evaluated: 2024-06-11. Review status: criteria provided, single submitter. Criteria: LabCorp Variant Classification Summary - May 2015. Collection method: clinical testing. Allele origin: germline.
Comment: Variant summary: DNM1 c.1423-14A>G alters a non-conserved nucleotide located at a position not widely known to affect splicing. Consensus agreement among computation tools predict no significant impact on normal splicing. However, these predictions have yet to be confirmed by functional studies. The variant allele was found at a frequency of 1.2e-05 in 251244 control chromosomes. The available data on variant occurrences in the general population are insufficient to allow any conclusion about variant significance. To our knowledge, no occurrence of c.1423-14A>G in individuals affected with Developmental And Epileptic Encephalopathy, 31 and no experimental evidence demonstrating its impact on protein function have been reported. ClinVar contains an entry for this variant (Variation ID: 386156). Based on the evidence outlined above, the variant was classified as likely benign.

Labcorp Genetics (formerly Invitae), Labcorp
Classification: Likely benign for Developmental and epileptic encephalopathy, 31A. Last evaluated: 2024-01-06. Review status: criteria provided, single submitter. Criteria: Invitae Variant Classification Sherloc (09022015). Collection method: clinical testing. Allele origin: germline.

GeneDx
Classification: Likely benign. Last evaluated: 2016-05-17. Review status: criteria provided, single submitter. Criteria: GeneDx Variant Classification (06012015). Collection method: clinical testing. Allele origin: germline. Affected: yes.
Comment: This variant is considered likely benign or benign based on one or more of the following criteria: it is a conservative change, it occurs at a poorly conserved position in the protein, it is predicted to be benign by multiple in silico algorithms, and/or has population frequency not consistent with disease.